The following is an entry in ClinVar:

NM_003190.5(TAPBP):c.449T>A (p.Val150Asp)

Gene: TAPBP (TAP binding protein; minus strand). Cytogenetic location: 6p21.32.
Variant type: single nucleotide variant.
Coding change: c.449T>A on transcript NM_003190.5 (MANE Select); coding-DNA position 449, T replaced by A.
Protein change: p.Val150Asp; replaces valine 150 with aspartic acid.
Molecular consequence: missense variant. On other transcripts: intron variant (1).
Genome position (GRCh38, 1-based): chr6:33,313,237, A>T on the plus strand (T>A on the coding strand, the complement: TAPBP is on the minus strand). VCF-style: chr6-33313237-A-T. GRCh37 (hg19) VCF-style: chr6-33281014-A-T.
Other names: c.449T>A, p.Val150Asp (NM_172208.3); c.208+457T>A (NM_172209.3); short protein forms V150D.
Identifiers: ClinVar variation 1482699 (VCV001482699.8), dbSNP rs1042952067, ClinGen allele CA137058066.

ClinVar aggregate classification (germline): Uncertain significance (1 of 4 stars; one submission).

Conditions:
MHC class I deficiency. Identifiers: Orphanet 34592, MedGen C6024714, MONDO:0011476.

Allele frequency attached by ClinVar (database versions not stated): gnomAD 0.00001; TOPMed 0.00001; gnomAD exomes below 0.00001.
gnomAD v4.1: 3 of 1,613,742 alleles (0.00019%); highest among the groups gnomAD compares: Non-Finnish European, 0.00025%; no homozygotes.

Submission:

Labcorp Genetics (formerly Invitae), Labcorp
Classification: Uncertain significance for MHC class I deficiency 1. Last evaluated: 2020-11-10. Review status: criteria provided, single submitter. Criteria: Invitae Variant Classification Sherloc (09022015). Collection method: clinical testing. Allele origin: germline.
Comment: This variant has not been reported in the literature in individuals with TAPBP-related conditions. This sequence change replaces valine with aspartic acid at codon 150 of the TAPBP protein (p.Val150Asp). The valine residue is weakly conserved and there is a large physicochemical difference between valine and aspartic acid. This variant is not present in population databases (ExAC no frequency). Algorithms developed to predict the effect of missense changes on protein structure and function (SIFT, PolyPhen-2, Align-GVGD) all suggest that this variant is likely to be tolerated, but these predictions have not been confirmed by published functional studies and their clinical significance is uncertain. In summary, the available evidence is currently insufficient to determine the role of this variant in disease. Therefore, it has been classified as a Variant of Uncertain Significance.